The following is an entry in ClinVar:

NC_000008.11:g.(?_27469335)_(27471194_?)del

Gene: CHRNA2 (cholinergic receptor nicotinic alpha 2 subunit; minus strand). Cytogenetic location: 8p21.2.
Variant type: Deletion.
Identifiers: ClinVar variation 417539 (VCV000417539.1).

ClinVar aggregate classification (germline): Uncertain significance (1 of 4 stars; one submission).

Conditions:
Familial sleep-related hypermotor epilepsy. Also called: Autosomal Dominant Sleep-Related Hypermotor (Hyperkinetic) Epilepsy. Identifiers: Orphanet 98784, MedGen C3696898, MONDO:0000030.

Submission:

Labcorp Genetics (formerly Invitae), Labcorp
Classification: Uncertain significance. Last evaluated: 2016-12-29. Review status: criteria provided, single submitter. Criteria: Invitae Variant Classification Sherloc (09022015). Collection method: clinical testing. Allele origin: germline.
Comment: This variant is a gross deletion of the genomic region encompassing exons 2-4 of the CHRNA2 gene, which includes the initiator codon. The 5' end of this event is unknown as it extends beyond the assayed region for this gene and therefore may encompass additional genes. The 3' boundary is likely confined to intron 4 of the CHRNA2 gene. This is expected to result in an absent or disrupted protein product. This variant has not been reported in the literature in individuals with a CHRNA2-related disease. The current clinical and genetic evidence is not sufficient to establish whether loss-of-function variants in CHRNA2 cause disease. Therefore, this variant has been classified as a Variant of Uncertain Significance.